The following is an entry in ClinVar:

NM_000540.3(RYR1):c.14236C>A (p.Leu4746Met)

Gene: RYR1 (ryanodine receptor 1; plus strand). Cytogenetic location: 19q13.2.
Variant type: single nucleotide variant.
Coding change: c.14236C>A on transcript NM_000540.3 (MANE Select); coding-DNA position 14236, C replaced by A.
Protein change: p.Leu4746Met; replaces leucine 4746 with methionine.
Molecular consequence: missense variant.
Genome position (GRCh38, 1-based): chr19:38,577,981, C>A. VCF-style: chr19-38577981-C-A. GRCh37 (hg19) VCF-style: chr19-39068621-C-A.
Other names: p.Leu4746Met; c.14221C>A, p.Leu4741Met (NM_001042723.2); c.14236C>A (NM_000540.2); short protein forms L4741M, L4746M.
Identifiers: ClinVar variation 1037094 (VCV001037094.11), dbSNP rs752910637, ClinGen allele CA060997.

ClinVar aggregate classification (germline): Uncertain significance. Review status: criteria provided, multiple submitters, no conflicts (2 of 4 stars). 4 submissions from 4 submitters: Uncertain significance (4). Last evaluated 2025-11-24.

Conditions:
RYR1-related disorder. Also called: RYR1-related condition; RYR1-related disorders. Identifiers: MedGen CN239331.
Malignant hyperthermia, susceptibility to, 1 (MHS1). Also called: RYR1-Related Malignant Hyperthermia Susceptibility; Malignant hyperthermia suceptibility 1; Anesthesia related hyperthermia; Malignant hyperpyrexia; Fulminating hyperpyrexia; Pharmacogenic myopathy. Identifiers: Orphanet 423, MedGen C2930980, MONDO:0007783, OMIM 145600.

Allele frequency attached by ClinVar (database versions not stated): TOPMed below 0.00001; ExAC 0.00001; gnomAD exomes 0.00002.
gnomAD v4.1: 22 of 1,614,102 alleles (0.0014%); highest among the groups gnomAD compares: Non-Finnish European, 0.0016%; no homozygotes.

Submissions (4):

Color Diagnostics, LLC DBA Color Health
Classification: Uncertain significance for Malignant hyperthermia, susceptibility to, 1. Last evaluated: 2025-11-24. Review status: criteria provided, single submitter. Criteria: ACMG Guidelines, 2015. Collection method: clinical testing. Allele origin: germline.
Comment: This missense variant replaces leucine with methionine at codon 4746 of the RYR1 protein. Computational prediction suggests that this variant may not impact protein structure and function. To our knowledge, functional studies have not been reported for this variant. This variant has not been reported in individuals affected with RYR1-related disorders in the literature. This variant has been identified in 6/251364 chromosomes in the general population by the Genome Aggregation Database (gnomAD). The available evidence is insufficient to determine the role of this variant in disease conclusively. Therefore, this variant is classified as a Variant of Uncertain Significance.

Mayo Clinic Laboratories, Mayo Clinic
Classification: Uncertain significance. Last evaluated: 2025-07-16. Review status: criteria provided, single submitter. Criteria: ACMG Guidelines, 2015. Collection method: clinical testing. Allele origin: germline. Observed: 1 variant allele.

Revvity Omics, Revvity
Classification: Uncertain significance. Last evaluated: 2024-07-04. Review status: criteria provided, single submitter. Criteria: ACMG Guidelines, 2015. Collection method: clinical testing. Allele origin: germline.

Labcorp Genetics (formerly Invitae), Labcorp
Classification: Uncertain significance for RYR1-related disorder. Last evaluated: 2024-05-20. Review status: criteria provided, single submitter. Criteria: Invitae Variant Classification Sherloc (09022015). Collection method: clinical testing. Allele origin: germline.
Comment: This sequence change replaces leucine, which is neutral and non-polar, with methionine, which is neutral and non-polar, at codon 4746 of the RYR1 protein (p.Leu4746Met). This variant is present in population databases (rs752910637, gnomAD 0.004%). This variant has not been reported in the literature in individuals affected with RYR1-related conditions. ClinVar contains an entry for this variant (Variation ID: 1037094). Advanced modeling of protein sequence and biophysical properties (such as structural, functional, and spatial information, amino acid conservation, physicochemical variation, residue mobility, and thermodynamic stability) performed at Invitae indicates that this missense variant is not expected to disrupt RYR1 protein function with a negative predictive value of 95%. In summary, the available evidence is currently insufficient to determine the role of this variant in disease. Therefore, it has been classified as a Variant of Uncertain Significance.